The following is an entry in ClinVar:

ClinVar aggregate classification (germline): Uncertain significance (1 of 4 stars; one submission).

Conditions:
Werner syndrome (WRN). Identifiers: Orphanet 902, MedGen C0043119, MONDO:0010196, OMIM 277700.

Submission:

Labcorp Genetics (formerly Invitae), Labcorp
Classification: Uncertain significance for Werner syndrome. Last evaluated: 2023-04-29. Review status: criteria provided, single submitter. Criteria: Invitae Variant Classification Sherloc (09022015). Collection method: clinical testing. Allele origin: germline.
Comment: This variant has not been reported in the literature in individuals affected with WRN-related conditions. In summary, the available evidence is currently insufficient to determine the role of this variant in disease. Therefore, it has been classified as a Variant of Uncertain Significance. Experimental studies and prediction algorithms are not available or were not evaluated, and the functional significance of this variant is currently unknown. Information on the frequency of this variant in the gnomAD database is not available, as this variant may be reported differently in the database. This sequence change replaces asparagine, which is neutral and polar, with aspartic acid, which is acidic and polar, at codon 788 of the WRN protein (p.Asn788Asp).

NM_000553.6(WRN):c.2361_2362delinsTG (p.Asn788Asp)

Gene: WRN (WRN RecQ like helicase; plus strand). Cytogenetic location: 8p12.
Variant type: Indel.
Coding change: c.2361_2362delinsTG on transcript NM_000553.6 (MANE Select); coding-DNA positions 2361 to 2362, GA replaced by TG.
Protein change: p.Asn788Asp; replaces asparagine 788 with aspartic acid.
Molecular consequence: missense variant.
Genome position (GRCh38, 1-based): chr8:31,116,441-31,116,442, GA replaced by TG. VCF-style: chr8-31116441-GA-TG. GRCh37 (hg19) VCF-style: chr8-30973957-GA-TG.
Other names: short protein forms N788D.
Identifiers: ClinVar variation 2775468 (VCV002775468.3), dbSNP rs2535978566, ClinGen allele CA2739278389.